The following is an entry in ClinVar:

ClinVar aggregate classification (germline): Uncertain significance (1 of 4 stars; one submission).

Allele frequency attached by ClinVar (database versions not stated): ExAC 0.00001; gnomAD exomes 0.00001.
gnomAD v4.1: 17 of 1,614,260 alleles (0.0011%); highest among the groups gnomAD compares: East Asian, 0.0022%; no homozygotes.

Submission:

Labcorp Genetics (formerly Invitae), Labcorp
Classification: Uncertain significance. Last evaluated: 2025-10-10. Review status: criteria provided, single submitter. Criteria: Invitae Variant Classification Sherloc (09022015). Collection method: clinical testing. Allele origin: germline.
Comment: This sequence change replaces valine, which is neutral and non-polar, with isoleucine, which is neutral and non-polar, at codon 175 of the CLCN6 protein (p.Val175Ile). This variant is present in population databases (rs755624300, gnomAD 0.002%). This variant has not been reported in the literature in individuals affected with CLCN6-related conditions. ClinVar contains an entry for this variant (Variation ID: 1468071). An algorithm developed to predict the effect of missense changes on protein structure and function (PolyPhen-2) suggests that this variant is likely to be tolerated. In summary, the available evidence is currently insufficient to determine the role of this variant in disease. Therefore, it has been classified as a Variant of Uncertain Significance.

NM_001286.5(CLCN6):c.523G>A (p.Val175Ile)

Gene: CLCN6 (chloride voltage-gated channel 6; plus strand). Cytogenetic location: 1p36.22.
Variant type: single nucleotide variant.
Coding change: c.523G>A on transcript NM_001286.5 (MANE Select); coding-DNA position 523, G replaced by A.
Protein change: p.Val175Ile; replaces valine 175 with isoleucine.
Molecular consequence: missense variant. On other transcripts: non-coding transcript variant (1).
Genome position (GRCh38, 1-based): chr1:11,823,776, G>A. VCF-style: chr1-11823776-G-A. GRCh37 (hg19) VCF-style: chr1-11883833-G-A.
Other names: c.457G>A, p.Val153Ile (NM_001256959.2); short protein forms V153I, V175I.
Identifiers: ClinVar variation 1468071 (VCV001468071.8), dbSNP rs755624300, ClinGen allele CA596115.